The following is an entry in ClinVar:

NM_000059.4(BRCA2):c.8471G>C (p.Arg2824Thr)

Gene: BRCA2 (BRCA2 DNA repair associated; plus strand). Cytogenetic location: 13q13.1.
Variant type: single nucleotide variant.
Coding change: c.8471G>C on transcript NM_000059.4 (MANE Select); coding-DNA position 8471, G replaced by C.
Protein change: p.Arg2824Thr; replaces arginine 2824 with threonine.
Molecular consequence: missense variant.
Genome position (GRCh38, 1-based): chr13:32,370,541, G>C. VCF-style: chr13-32370541-G-C. GRCh37 (hg19) VCF-style: chr13-32944678-G-C.
Other names: 8699G>C; short protein forms R2824T.
Identifiers: ClinVar variation 96868 (VCV000096868.14), dbSNP rs431825366, ClinGen allele CA025659.

ClinVar aggregate classification (germline): Uncertain significance. Review status: criteria provided, multiple submitters, no conflicts (2 of 4 stars). 6 submissions from 6 submitters: Uncertain significance (3). 3 of the submissions do not count toward it. Last evaluated 2026-01-28.

Conditions:
Colorectal cancer. Also called: Colorectal cancer, somatic; Malignant Colorectal Neoplasm. Identifiers: MedGen C0346629, MONDO:0005575, OMIM 114500.
Hereditary cancer-predisposing syndrome. Also called: Hereditary Cancer Syndrome; Neoplastic Syndromes, Hereditary; Hereditary neoplastic syndrome; Tumor predisposition. Identifiers: Orphanet 140162, MedGen C0027672, MeSH D009386, MONDO:0015356.
Hereditary breast ovarian cancer syndrome. Also called: Breast and ovarian cancer; Hereditary breast and/or ovarian cancer syndrome; Hereditary breast and ovarian cancer; Hereditary breast and ovarian cancer syndrome; Hereditary breast and ovarian cancer syndrome (HBOC); BRCA1- and BRCA2-Associated Hereditary Breast and Ovarian Cancer. Identifiers: Orphanet 145, MedGen C0677776, MeSH D061325, MONDO:0003582. Disease mechanism: loss of function.
Breast-ovarian cancer, familial, susceptibility to, 2 (BROVCA2). Also called: BRCA2 Hereditary Breast and Ovarian Cancer. Identifiers: Orphanet 145, MedGen C2675520, MONDO:0012933, OMIM 612555. Disease mechanism: loss of function.

Submissions (6):

Labcorp Genetics (formerly Invitae), Labcorp
Classification: Uncertain significance for Hereditary breast ovarian cancer syndrome. Last evaluated: 2026-01-28. Review status: criteria provided, single submitter. Criteria: Invitae Variant Classification Sherloc (09022015). Collection method: clinical testing. Allele origin: germline.
Comment: This sequence change replaces arginine, which is basic and polar, with threonine, which is neutral and polar, at codon 2824 of the BRCA2 protein (p.Arg2824Thr). This variant is not present in population databases (gnomAD no frequency). This missense change has been observed in individual(s) with clinical features of BRCA2-related conditions (PMID: 36721989). ClinVar contains an entry for this variant (Variation ID: 96868). Invitae Evidence Modeling incorporating data from in vitro experimental studies (PMID: 33609447) indicates that this missense variant is expected to disrupt BRCA2 function with a positive predictive value of 95%. Experimental studies have shown that this missense change affects BRCA2 function (PMID: 33609447, 35736817). In summary, the available evidence is currently insufficient to determine the role of this variant in disease. Therefore, it has been classified as a Variant of Uncertain Significance.

Ambry Genetics
Classification: Uncertain significance for Hereditary cancer-predisposing syndrome. Last evaluated: 2025-05-19. Review status: criteria provided, single submitter. Criteria: Ambry Variant Classification Scheme 2023. Collection method: clinical testing. Allele origin: germline.
Comment: The p.R2824T variant (also known as c.8471G>C), located in coding exon 18 of the BRCA2 gene, results from a G to C substitution at nucleotide position 8471. The arginine at codon 2824 is replaced by threonine, an amino acid with similar properties. This variant was detected in the compound heterozygous state with a BRCA2 pathogenic mutation in two sisters with features inconsistent with Fanconi Anemia (Turchetti D et al. N Engl J Med, 2019 Mar;380:1086-1087; Innella G et al. Tumori, 2024 Nov;:3008916241288078). However, this variant was non-functional in two homology-directed DNA repair (HDR) assays (Richardson ME et al. Am J Hum Genet, 2021 Mar;108:458-468; Hu C et al. Clin Cancer Res, 2022 Sep;28:3742-3751). In addition, two saturation genome editing-based studies, including a haploid cell-survival assay and a humanized mouse embryonic stem cell line assay of drug response and survival, demonstrated that this nucleotide substitution is non-functional (Huang H et al. Nature, 2025 Feb;638:528-537; Sahu S et al. Nature, 2025 Feb;638:538-545). This amino acid position is highly conserved in available vertebrate species. In addition, this alteration is predicted to be deleterious by in silico analysis. Based on the available evidence, the clinical significance of this variant remains unclear.

GeneDx
Classification: Uncertain significance. Last evaluated: 2019-06-14. Review status: criteria provided, single submitter. Criteria: GeneDx Variant Classification Process June 2021. Collection method: clinical testing. Allele origin: germline. Affected: yes.
Comment: Not observed in large population cohorts (Lek et al., 2016); In silico analysis, which includes protein predictors and evolutionary conservation, supports that this variant does not alter protein structure/function; Has not been previously published as pathogenic or benign to our knowledge

Department of Medical and Surgical Sciences, University of Bologna
Classification: Likely pathogenic for Breast-ovarian cancer, familial, susceptibility to, 2. Last evaluated: 2023-09-01. Review status: no assertion criteria provided. Collection method: clinical testing. Allele origin: germline. Affected: yes. Not counted in ClinVar's aggregate classification.
Comment: PS3(Strong)+PM2(Supporting)+PP3(Supporting) according to ACMG/AMP classification guidelines specified for BRCA1 & BRCA2 (Classification Criteria V1.0.0 2023-09-08) (PMID: 38160042)

Sharing Clinical Reports Project (SCRP)
Classification: Uncertain significance for Breast-ovarian cancer, familial 2. Last evaluated: 2012-05-01. Review status: no assertion criteria provided. Collection method: clinical testing. Allele origin: germline. Not counted in ClinVar's aggregate classification.

Center for Studies on Hereditary Cancer, University of Bologna
Classification: Uncertain significance for Colorectal cancer. Review status: no assertion criteria provided. Collection method: research. Allele origin: germline. Affected: yes. Observed: 2 variant alleles. Not counted in ClinVar's aggregate classification.
Comment: Two sisters carrying the variant in- trans with c.6468_6469delTC developed colorectal cancer and other primary malignancies, associated to primary amenorrhea

Literature cited by the submitters: PubMed 36721989 (cited by Labcorp Genetics (formerly Invitae), Labcorp); PubMed 33609447 (cited by Labcorp Genetics (formerly Invitae), Labcorp and Ambry Genetics); PubMed 35736817 (cited by Labcorp Genetics (formerly Invitae), Labcorp and Ambry Genetics); PubMed 30865813 (cited by Ambry Genetics); PubMed 39568345 (cited by Ambry Genetics); PubMed 39779848 (cited by Ambry Genetics); PubMed 39779857 (cited by Ambry Genetics).